The following is an entry in ClinVar:

NM_031935.3(HMCN1):c.5641C>T (p.Arg1881Ter)

Gene: HMCN1 (hemicentin 1; plus strand). Cytogenetic location: 1q31.1.
Variant type: single nucleotide variant.
Coding change: c.5641C>T on transcript NM_031935.3 (MANE Select); coding-DNA position 5641, C replaced by T.
Protein change: p.Arg1881Ter; replaces arginine 1881 with a stop codon.
Molecular consequence: nonsense.
Genome position (GRCh38, 1-based): chr1:186,023,045, C>T. VCF-style: chr1-186023045-C-T. GRCh37 (hg19) VCF-style: chr1-185992177-C-T.
Other names: short protein forms R1881*.
Identifiers: ClinVar variation 2725587 (VCV002725587.3), dbSNP rs762269912, ClinGen allele CA1292327.

ClinVar aggregate classification (germline): Uncertain significance (1 of 4 stars; one submission).

Allele frequency attached by ClinVar (database versions not stated): TOPMed below 0.00001; ExAC 0.00001.
gnomAD v4.1: 10 of 1,613,160 alleles (0.00062%); highest among the groups gnomAD compares: Non-Finnish European, 0.00068%; no homozygotes.

Submission:

Labcorp Genetics (formerly Invitae), Labcorp
Classification: Uncertain significance. Last evaluated: 2023-06-24. Review status: criteria provided, single submitter. Criteria: Invitae Variant Classification Sherloc (09022015). Collection method: clinical testing. Allele origin: germline.
Comment: In summary, the available evidence is currently insufficient to determine the role of this variant in disease. Therefore, it has been classified as a Variant of Uncertain Significance. This variant has not been reported in the literature in individuals affected with HMCN1-related conditions. This variant is present in population databases (rs762269912, gnomAD no frequency). This sequence change creates a premature translational stop signal (p.Arg1881*) in the HMCN1 gene. It is expected to result in an absent or disrupted protein product. However, the current clinical and genetic evidence is not sufficient to establish whether loss-of-function variants in HMCN1 cause disease.